The following is an entry in ClinVar:

ClinVar aggregate classification (germline): Benign/Likely benign. Review status: criteria provided, multiple submitters, no conflicts (2 of 4 stars). 8 submissions from 8 submitters: Benign (1); Likely benign (6). 1 of the submissions does not count toward it. Last evaluated 2026-02-03.

Conditions:
ELP1-related disorder. Also called: ELP1-related condition.
Familial dysautonomia. Also called: FD; HSAN III. Identifiers: Orphanet 1764, MedGen C0013364, MONDO:0009131, OMIM 223900. Disease mechanism: loss of function.

Allele frequency attached by ClinVar (database versions not stated): TOPMed 0.00008; gnomAD 0.00020 and 0.00021.
gnomAD v4.1: 199 of 1,613,456 alleles (0.012%); highest among the groups gnomAD compares: Middle Eastern, 0.033%; no homozygotes.

Submissions (8):

Labcorp Genetics (formerly Invitae), Labcorp
Classification: Likely benign. Last evaluated: 2026-02-03. Review status: criteria provided, single submitter. Criteria: Invitae Variant Classification Sherloc (09022015). Collection method: clinical testing. Allele origin: germline.

PreventionGenetics, part of Exact Sciences
Classification: Likely benign for ELP1-related condition. Last evaluated: 2025-04-24. Review status: criteria provided, single submitter. Criteria: ACMG Guidelines, 2015. Collection method: clinical testing. Allele origin: germline.
Comment: This variant is classified as likely benign based on ACMG/AMP sequence variant interpretation guidelines (Richards et al. 2015 PMID: 25741868, with internal and published modifications).

Laboratory of Genetics, Children's Clinical University Hospital Latvia
Classification: Benign. Last evaluated: 2025-02-16. Review status: criteria provided, single submitter. Criteria: ACMG Guidelines, 2015. Collection method: clinical testing. Allele origin: germline. Affected: yes.

CeGaT Center for Human Genetics Tuebingen
Classification: Likely benign. Last evaluated: 2024-12-01. Review status: criteria provided, single submitter. Criteria: CeGaT Center For Human Genetics Tuebingen Variant Classification Criteria Version 2. Collection method: clinical testing. Allele origin: germline. Affected: yes. Observed: 2 variant alleles.
Comment: ELP1: BP4, BP7

Ambry Genetics
Classification: Likely benign. Last evaluated: 2022-04-04. Review status: criteria provided, single submitter. Criteria: Ambry Variant Classification Scheme 2023. Collection method: clinical testing. Allele origin: germline.

GeneDx
Classification: Likely benign. Last evaluated: 2020-03-16. Review status: criteria provided, single submitter. Criteria: GeneDx Variant Classification Process June 2021. Collection method: clinical testing. Allele origin: germline. Affected: yes.

Breakthrough Genomics
Classification: Likely benign. Review status: criteria provided, single submitter. Criteria: ACMG Guidelines, 2015. Collection method: not provided. Allele origin: germline. Inheritance: Autosomal recessive inheritance. Affected: yes.

Natera, Inc.
Classification: Uncertain significance for Hereditary sensory and autonomic neuropathy type III. Last evaluated: 2020-01-17. Review status: no assertion criteria provided. Collection method: clinical testing. Allele origin: germline. Not counted in ClinVar's aggregate classification.

NM_003640.5(ELP1):c.2025C>T (p.Ala675=)

Gene: ELP1 (elongator acetyltransferase complex subunit 1; minus strand). Cytogenetic location: 9q31.3.
Variant type: single nucleotide variant.
Coding change: c.2025C>T on transcript NM_003640.5 (MANE Select); coding-DNA position 2025, C replaced by T.
Protein change: p.Ala675=; no amino-acid change (alanine 675 retained).
Molecular consequence: synonymous variant.
Genome position (GRCh38, 1-based): chr9:108,900,365, G>A on the plus strand (C>T on the coding strand, the complement: ELP1 is on the minus strand). VCF-style: chr9-108900365-G-A. GRCh37 (hg19) VCF-style: chr9-111662645-G-A.
Other names: c.2025C>T (LRG_251t1, NM_003640.4); c.1683C>T, p.Ala561= (NM_001318360.2); c.978C>T, p.Ala326= (NM_001330749.2).
Identifiers: ClinVar variation 390529 (VCV000390529.42), dbSNP rs200532312, ClinGen allele CA5174794.
Genomic context (GRCh38, chr9:108,900,365, plus strand): 5'-TGAACCCCTCTCCACTTTCCGCAGAACTTCCCCATGGGACACATGATTGCTGCTCAGGCC[G>A]GCCTGTAATGCTAAACACACCATTAACTAATAAGCCTTAATTATCACAACAAGCCACTCT-3'
Protein context (NP_003631.2, residues 665-685): LRDASFKTLQ[Ala675=]GLSSNHVSHG